The following is an entry in ClinVar:

NM_001111125.3(IQSEC2):c.2866C>T (p.Arg956Cys)

Gene: IQSEC2 (IQ motif and Sec7 domain ArfGEF 2; minus strand). Cytogenetic location: Xp11.22.
Variant type: single nucleotide variant.
Coding change: c.2866C>T on transcript NM_001111125.3 (MANE Select); coding-DNA position 2866, C replaced by T.
Protein change: p.Arg956Cys; replaces arginine 956 with cysteine.
Molecular consequence: missense variant.
Genome position (GRCh38, 1-based): chrX:53,243,355, G>A on the plus strand (C>T on the coding strand, the complement: IQSEC2 is on the minus strand). VCF-style: chrX-53243355-G-A. GRCh37 (hg19) VCF-style: chrX-53272537-G-A.
Other names: c.2251C>T, p.Arg751Cys (NM_015075.2); short protein forms R751C, R956C.
Identifiers: ClinVar variation 1328771 (VCV001328771.6), dbSNP rs2147059598, ClinGen allele CA413153498.

ClinVar aggregate classification (germline): Uncertain significance. Review status: criteria provided, multiple submitters, no conflicts (2 of 4 stars). 2 submissions from 2 submitters: Uncertain significance (2). Last evaluated 2025-03-19.

Conditions:
Intellectual developmental disorder, X-linked 1. Also called: Atkin Flaitz Patil Smith syndrome; MENTAL RETARDATION, X-LINKED 18; MENTAL RETARDATION, X-LINKED 78; Intellectual disability, X-linked 1. Identifiers: Orphanet 777, MedGen C2931498, MONDO:0010656, OMIM 309530.

Allele frequency attached by ClinVar (database versions not stated): gnomAD exomes below 0.00001.
gnomAD v4.1: 1 of 1,166,630 alleles (0.000086%); highest among the groups gnomAD compares: Non-Finnish European, 0.00011%; no homozygotes.

Submissions (2):

GeneDx
Classification: Uncertain significance. Last evaluated: 2025-03-19. Review status: criteria provided, single submitter. Criteria: GeneDx Variant Classification Process June 2021. Collection method: clinical testing. Allele origin: germline. Affected: yes.
Comment: Not observed at significant frequency in large population cohorts (gnomAD); In silico analysis supports that this missense variant has a deleterious effect on protein structure/function; Has not been previously published as pathogenic or benign to our knowledge; This variant is associated with the following publications: (PMID: 20473311)

Labcorp Genetics (formerly Invitae), Labcorp
Classification: Uncertain significance for Intellectual developmental disorder, X-linked 1. Last evaluated: 2024-02-05. Review status: criteria provided, single submitter. Criteria: Invitae Variant Classification Sherloc (09022015). Collection method: clinical testing. Allele origin: germline.
Comment: This sequence change replaces arginine, which is basic and polar, with cysteine, which is neutral and slightly polar, at codon 956 of the IQSEC2 protein (p.Arg956Cys). This variant is not present in population databases (gnomAD no frequency). This variant has not been reported in the literature in individuals affected with IQSEC2-related conditions. ClinVar contains an entry for this variant (Variation ID: 1328771). Advanced modeling of protein sequence and biophysical properties (such as structural, functional, and spatial information, amino acid conservation, physicochemical variation, residue mobility, and thermodynamic stability) performed at Invitae indicates that this missense variant is not expected to disrupt IQSEC2 protein function with a negative predictive value of 95%. In summary, the available evidence is currently insufficient to determine the role of this variant in disease. Therefore, it has been classified as a Variant of Uncertain Significance.